The following is an entry in ClinVar:

NM_002890.3(RASA1):c.2239C>G (p.Gln747Glu)

Genes: CCNH (cyclin H; minus strand), RASA1 (RAS p21 protein activator 1; plus strand). Cytogenetic location: 5q14.3.
Variant type: single nucleotide variant.
Coding change: c.2239C>G on transcript NM_002890.3 (MANE Select); coding-DNA position 2239, C replaced by G.
Protein change: p.Gln747Glu; replaces glutamine 747 with glutamic acid.
Molecular consequence: missense variant. On other transcripts: intron variant (1).
Genome position (GRCh38, 1-based): chr5:87,376,935, C>G. VCF-style: chr5-87376935-C-G. GRCh37 (hg19) VCF-style: chr5-86672752-C-G.
Other names: c.1708C>G, p.Gln570Glu (NM_022650.3); c.933+18109G>C (NM_001364075.2); short protein forms Q747E, Q570E.
Identifiers: ClinVar variation 3942976 (VCV003942976.1).

ClinVar aggregate classification (germline): Uncertain significance (1 of 4 stars; one submission).

Conditions:
Cardiovascular phenotype. Identifiers: MedGen CN230736.

Submission:

Ambry Genetics
Classification: Uncertain significance for Cardiovascular phenotype. Last evaluated: 2025-04-07. Review status: criteria provided, single submitter. Criteria: Ambry Variant Classification Scheme 2023. Collection method: clinical testing. Allele origin: germline.
Comment: The p.Q747E variant (also known as c.2239C>G), located in coding exon 17 of the RASA1 gene, results from a C to G substitution at nucleotide position 2239. The glutamine at codon 747 is replaced by glutamic acid, an amino acid with highly similar properties. This amino acid position is conserved. In addition, this alteration is predicted to be tolerated by in silico analysis. Based on the available evidence, the clinical significance of this variant remains unclear.